The following is an entry in ClinVar:

NM_003738.5(PTCH2):c.1829G>T (p.Ser610Ile)

Gene: PTCH2 (patched 2; minus strand). Cytogenetic location: 1p34.1.
Variant type: single nucleotide variant.
Coding change: c.1829G>T on transcript NM_003738.5 (MANE Select); coding-DNA position 1829, G replaced by T.
Protein change: p.Ser610Ile; replaces serine 610 with isoleucine.
Molecular consequence: missense variant.
Genome position (GRCh38, 1-based): chr1:44,828,072, C>A on the plus strand (G>T on the coding strand, the complement: PTCH2 is on the minus strand). VCF-style: chr1-44828072-C-A. GRCh37 (hg19) VCF-style: chr1-45293744-C-A.
Other names: c.1829G>T, p.Ser610Ile (NM_001166292.2); short protein forms S610I.
Identifiers: ClinVar variation 1445555 (VCV001445555.8), dbSNP rs2148875950, ClinGen allele CA340099137.
Genomic context (GRCh38, chr1:44,828,072, plus strand): 5'-GGGTCAGAAGGTGGGGGCACCAGGTGGGCTTGGGGAGGCAGGATGGTGACCACATGCTGG[C>A]TGCTGGCTTCACAGTGGGTAAAGGCTTGAACTGTGGCAGTGAGGTGGGCAATGCCCACTG-3'
Protein context (NP_003729.3, residues 600-620): VQAFTHCEAS[Ser610Ile]QHVVTILPPQ

ClinVar aggregate classification (germline): Uncertain significance (1 of 4 stars; one submission).

Conditions:
Gorlin syndrome. Also called: Basal cell nevus syndrome; Nevoid Basal Cell Carcinoma Syndrome. Identifiers: Orphanet 377, MedGen C0004779, MONDO:0007187.

Submission:

Labcorp Genetics (formerly Invitae), Labcorp
Classification: Uncertain significance for Gorlin syndrome. Last evaluated: 2021-05-12. Review status: criteria provided, single submitter. Criteria: Invitae Variant Classification Sherloc (09022015). Collection method: clinical testing. Allele origin: germline.
Comment: This variant is not present in population databases (ExAC no frequency). This sequence change replaces serine with isoleucine at codon 610 of the PTCH2 protein (p.Ser610Ile). The serine residue is moderately conserved and there is a large physicochemical difference between serine and isoleucine. This variant has not been reported in the literature in individuals with PTCH2-related conditions. In summary, the available evidence is currently insufficient to determine the role of this variant in disease. Therefore, it has been classified as a Variant of Uncertain Significance. Algorithms developed to predict the effect of missense changes on protein structure and function (SIFT, PolyPhen-2, Align-GVGD) all suggest that this variant is likely to be tolerated, but these predictions have not been confirmed by published functional studies and their clinical significance is uncertain.